The following is an entry in ClinVar:

NM_000074.3(CD40LG):c.420G>C (p.Trp140Cys)

Gene: CD40LG (CD40 ligand; plus strand). Cytogenetic location: Xq26.3.
Variant type: single nucleotide variant.
Coding change: c.420G>C on transcript NM_000074.3 (MANE Select); coding-DNA position 420, G replaced by C.
Protein change: p.Trp140Cys; replaces tryptophan 140 with cysteine.
Molecular consequence: missense variant.
Genome position (GRCh38, 1-based): chrX:136,659,049, G>C. VCF-style: chrX-136659049-G-C. GRCh37 (hg19) VCF-style: chrX-135741208-G-C.
Other names: short protein forms W140C.
Identifiers: ClinVar variation 2138729 (VCV002138729.4), dbSNP rs104894776, ClinGen allele CA414755573.

ClinVar aggregate classification (germline): Pathogenic (1 of 4 stars; one submission).

Conditions:
Hyper-IgM syndrome type 1. Also called: Hyper-IgM Immunodeficiency Syndrome, Type 1; CD40 Ligand Deficiency; X-linked hyper-IgM syndrome; Immunodeficiency, X-linked, with hyper-IgM. Identifiers: Orphanet 101088, MedGen C0398689, MONDO:0010626, OMIM 308230.

Submission:

Labcorp Genetics (formerly Invitae), Labcorp
Classification: Pathogenic for Hyper-IgM syndrome type 1. Last evaluated: 2022-09-16. Review status: criteria provided, single submitter. Criteria: Invitae Variant Classification Sherloc (09022015). Collection method: clinical testing. Allele origin: germline.
Comment: This sequence change replaces tryptophan, which is neutral and slightly polar, with cysteine, which is neutral and slightly polar, at codon 140 of the CD40LG protein (p.Trp140Cys). This variant is not present in population databases (gnomAD no frequency). This missense change has been observed in individual(s) with clinical features of hyper-IgM syndrome (PMID: 9150729, 15623492; Invitae). Advanced modeling of protein sequence and biophysical properties (such as structural, functional, and spatial information, amino acid conservation, physicochemical variation, residue mobility, and thermodynamic stability) performed at Invitae indicates that this missense variant is expected to disrupt CD40LG protein function. This variant disrupts the p.Trp140 amino acid residue in CD40LG. Other variant(s) that disrupt this residue have been determined to be pathogenic (PMID: 7717401, 11850600, 25215306). This suggests that this residue is clinically significant, and that variants that disrupt this residue are likely to be disease-causing. For these reasons, this variant has been classified as Pathogenic.

Literature cited by the submitters: PubMed 9150729; PubMed 15623492; PubMed 7717401; PubMed 11850600; PubMed 25215306.